The following is an entry in ClinVar:

NM_025114.4(CEP290):c.963T>A (p.Asp321Glu)

Gene: CEP290 (centrosomal protein 290; minus strand). Cytogenetic location: 12q21.32.
Variant type: single nucleotide variant.
Coding change: c.963T>A on transcript NM_025114.4 (MANE Select); coding-DNA position 963, T replaced by A.
Protein change: p.Asp321Glu; replaces aspartic acid 321 with glutamic acid.
Molecular consequence: missense variant.
Genome position (GRCh38, 1-based): chr12:88,126,418, A>T on the plus strand (T>A on the coding strand, the complement: CEP290 is on the minus strand). VCF-style: chr12-88126418-A-T. GRCh37 (hg19) VCF-style: chr12-88520195-A-T.
Other names: NM_025114.4(CEP290):c.963T>A; p.Asp321Glu; short protein forms D321E.
Identifiers: ClinVar variation 286797 (VCV000286797.46), dbSNP rs774072453, ClinGen allele CA6712647.

ClinVar aggregate classification (germline): Uncertain significance. Review status: reviewed by expert panel (3 of 4 stars). 16 submissions from 12 submitters: Uncertain significance (1). 15 of the submissions do not count toward it. Last evaluated 2026-07-20.

Conditions:
CEP290-related ciliopathy. Also called: CEP290 ciliopathy. Identifiers: MedGen CN305601, MONDO:0100451.
CEP290-related disorder. Also called: CEP290-related condition; CEP290-related disorders. Identifiers: MedGen CN239314.
Meckel-Gruber syndrome. Also called: GRUBER SYNDROME; DYSENCEPHALIA SPLANCHNOCYSTICA; Dysencephalia splachnocystica. Identifiers: Orphanet 564, MedGen C0265215, MONDO:0018921.
Joubert syndrome. Also called: Familial aplasia of the vermis; JOUBERT-BOLTSHAUSER SYNDROME. Identifiers: Orphanet 475, MedGen C5979921, MONDO:0018772.
Nephronophthisis. Also called: Juvenile Nephronophthisis. Identifiers: Orphanet 655, MedGen C0687120, MONDO:0019005, HP:0000090.
Meckel syndrome, type 4 (MKS4). Also called: MECKEL-GRUBER SYNDROME, TYPE 4. Identifiers: Orphanet 564, MedGen C1970161, MONDO:0012626, OMIM 611134.
Leber congenital amaurosis 10 (LCA10). Identifiers: Orphanet 65, MedGen C1857821, MONDO:0012723, OMIM 611755.
Bardet-Biedl syndrome 14 (BBS14). Identifiers: Orphanet 110, MedGen C2673874, MONDO:0014442, OMIM 615991.
Senior-Loken syndrome 6 (SLSN6). Identifiers: Orphanet 3156, MedGen C1857779, MONDO:0012433, OMIM 610189.
Joubert syndrome 5 (JBTS5). Identifiers: Orphanet 2318, MedGen C1857780, MONDO:0012432, OMIM 610188.

Allele frequency attached by ClinVar (database versions not stated): TOPMed 0.00004; ExAC 0.00005.
gnomAD v4.1: 87 of 1,509,276 alleles (0.0058%); highest among the groups gnomAD compares: Middle Eastern, 0.1%; no homozygotes.

Submissions (16):

ClinGen Leber Congenital Amaurosis/early Onset Retinal Dystrophy Variant Curation Expert Panel, ClinGen
Classification: Uncertain significance for CEP290-related ciliopathy. Last evaluated: 2026-07-20. Review status: reviewed by expert panel. Criteria: ClinGen LCAeoRD ACMG Specifications CEP290 V1.0.0. Collection method: curation. Allele origin: germline. Inheritance: Autosomal recessive inheritance.
Comment: NM_025114.4(CEP290):c.963T>A (p.Asp321Glu) is a missense variant that replaces aspartic acid with glutamic acid at amino acid 321. This variant is present in gnomAD v4.1.1 at a total allele frequency of 0.00005764, with 87 alleles / 1,509,276 total alleles, which is lower than the ClinGen LCA/eoRD VCEP PM2_Supporting threshold of <0.0006 (PM2_Supporting). This variant has been reported in at least 1 proband with renal anomalies and renal disease who harbored the variant in the compound heterozygous state, however, the proband was not counted for PM3 because sufficient phenotype details were not reported and because the NM_025114.4(CEP290):c.5998A>G (p.Ile2000Val) variant suspected in trans has been classified as likely benign (PMID: 40718208). The variant has been reported in a second unpublished proband with retinal disease in the compound heterozygous state, however, the proband was not counted for PM3 because the NM_025114.4(CEP290):c.1092T>G (p.Ile364Met) variant confirmed in trans has been classified as likely benign (VCEP member-provided data). The computational predictor CADD gives a score of 24.9, which is above the ClinGen LCA/eoRD VCEP BP4 threshold of <17.3 and below the PP3 threshold of ≥25.3, so neither PP3 nor BP4 is met. The splicing impact predictor SpliceAI gives a delta score of 0.03 for acceptor loss, which is below the threshold of <0.1 and does not predict an impact on splicing. In summary, this variant meets the criteria to be classified as a Variant of Uncertain Significance for CEP290-related ciliopathy based on the ACMG/AMP criteria applied, as specified by the ClinGen LCA/eoRD VCEP: PM2_Supporting. (LCA/eoRD VCEP Specifications for CEP290 Version 1.0.0)

Labcorp Genetics (formerly Invitae), Labcorp
Classification: Uncertain significance for Joubert syndrome; Meckel-Gruber syndrome; Nephronophthisis. Last evaluated: 2025-12-09. Review status: criteria provided, single submitter. Criteria: Invitae Variant Classification Sherloc (09022015). Collection method: clinical testing. Allele origin: germline. Not counted in ClinVar's aggregate classification.
Comment: This sequence change replaces aspartic acid, which is acidic and polar, with glutamic acid, which is acidic and polar, at codon 321 of the CEP290 protein (p.Asp321Glu). This variant is present in population databases (rs774072453, gnomAD 0.02%). This missense change has been observed in individual(s) with Retinitis Pigmentosa (internal data). ClinVar contains an entry for this variant (Variation ID: 286797). Invitae Evidence Modeling of protein sequence and biophysical properties (such as structural, functional, and spatial information, amino acid conservation, physicochemical variation, residue mobility, and thermodynamic stability) indicates that this missense variant is expected to disrupt CEP290 protein function with a positive predictive value of 80%. In summary, the available evidence is currently insufficient to determine the role of this variant in disease. Therefore, it has been classified as a Variant of Uncertain Significance.

Blueprint Genetics
Classification: Uncertain significance. Last evaluated: 2024-08-15. Review status: criteria provided, single submitter. Criteria: ACMG Guidelines, 2015. Collection method: clinical testing. Allele origin: germline. Not counted in ClinVar's aggregate classification.

CeGaT Center for Human Genetics Tuebingen
Classification: Uncertain significance. Last evaluated: 2023-10-01. Review status: criteria provided, single submitter. Criteria: CeGaT Center For Human Genetics Tuebingen Variant Classification Criteria Version 2. Collection method: clinical testing. Allele origin: germline. Affected: yes. Observed: 1 variant allele. Not counted in ClinVar's aggregate classification.

Broad Center for Mendelian Genomics, Broad Institute of MIT and Harvard
Classification: Uncertain significance for Joubert syndrome 5. Last evaluated: 2022-05-04. Review status: criteria provided, single submitter. Criteria: ACMG Guidelines, 2015. Collection method: curation. Allele origin: germline. Inheritance: Autosomal recessive inheritance. Not counted in ClinVar's aggregate classification.
Comment: The homozygous p.Asp321Glu variant in CEP290 was identified by our study in 2 siblings with Joubert syndrome 5. The variant has not been previously reported in individuals with Joubert syndrome 5 but has been identified in 0.02% (18/96916) of European non-Finnish chromosomes by the Genome Aggregation Database (gnomAD; dbSNP ID: rs774072453). Although this variant has been seen in the general population, its frequency is not high enough to rule out a pathogenic role. This variant has also been reported in ClinVar (Variation ID: 286797) as having uncertain significance by EGL Genetic Diagnostics, Eurofins Clinical Diagnostics, Fulgent Genetics, and Illumina Clinical Services Laboratory. Computational prediction tools, including splice predictors, and conservation analyses suggest that this variant may not impact the protein, though this information is not predictive enough to rule out pathogenicity. In summary, the clinical significance of the p.Asp321Glu variant is uncertain. ACMG/AMP Criteria applied: BP4, PM3_supporting (Richards 2015).

Molecular Medicine for Neurodegenerative and Neuromuscular Diseases Unit, IRCCS Fondazione Stella Maris
Classification: Uncertain significance for Joubert syndrome 5. Last evaluated: 2021-07-12. Review status: criteria provided, single submitter. Criteria: ACMG Guidelines, 2015. Collection method: research. Allele origin: unknown. Affected: yes. Not counted in ClinVar's aggregate classification.

Fulgent Genetics
Classification: Uncertain significance for Joubert syndrome 5; Senior-Loken syndrome 6; Meckel syndrome, type 4; Leber congenital amaurosis 10; Bardet-Biedl syndrome 14. Last evaluated: 2018-10-31. Review status: criteria provided, single submitter. Criteria: ACMG Guidelines, 2015. Collection method: clinical testing. Allele origin: unknown. Not counted in ClinVar's aggregate classification.

Illumina Laboratory Services, Illumina
Classification: Uncertain significance for Bardet-Biedl syndrome 14. Last evaluated: 2018-01-15. Review status: criteria provided, single submitter. Criteria: ICSL Variant Classification Criteria 13 December 2019. Collection method: clinical testing. Allele origin: germline. Not counted in ClinVar's aggregate classification.

Illumina Laboratory Services, Illumina
Classification: Uncertain significance for Meckel syndrome, type 4. Last evaluated: 2018-01-15. Review status: criteria provided, single submitter. Criteria: ICSL Variant Classification Criteria 13 December 2019. Collection method: clinical testing. Allele origin: germline. Not counted in ClinVar's aggregate classification.

Illumina Laboratory Services, Illumina
Classification: Uncertain significance for Senior-Loken syndrome 6. Last evaluated: 2018-01-15. Review status: criteria provided, single submitter. Criteria: ICSL Variant Classification Criteria 13 December 2019. Collection method: clinical testing. Allele origin: germline. Not counted in ClinVar's aggregate classification.

Illumina Laboratory Services, Illumina
Classification: Uncertain significance for Joubert syndrome 5. Last evaluated: 2018-01-15. Review status: criteria provided, single submitter. Criteria: ICSL Variant Classification Criteria 13 December 2019. Collection method: clinical testing. Allele origin: germline. Not counted in ClinVar's aggregate classification.

Illumina Laboratory Services, Illumina
Classification: Uncertain significance for Leber congenital amaurosis 10. Last evaluated: 2018-01-15. Review status: criteria provided, single submitter. Criteria: ICSL Variant Classification Criteria 13 December 2019. Collection method: clinical testing. Allele origin: germline. Not counted in ClinVar's aggregate classification.

Eurofins Ntd Llc (ga)
Classification: Uncertain significance. Last evaluated: 2016-03-29. Review status: criteria provided, single submitter. Criteria: EGL Classification Definitions 2015. Collection method: clinical testing. Allele origin: germline. Observed: 1 variant allele, 1 homozygote. Not counted in ClinVar's aggregate classification.

Breakthrough Genomics
Classification: Uncertain significance. Review status: criteria provided, single submitter. Criteria: ACMG Guidelines, 2015. Collection method: not provided. Allele origin: germline. Inheritance: Autosomal recessive inheritance. Affected: yes. Not counted in ClinVar's aggregate classification.

PreventionGenetics, part of Exact Sciences
Classification: Uncertain significance for CEP290-related condition. Last evaluated: 2024-01-30. Review status: no assertion criteria provided. Collection method: clinical testing. Allele origin: germline. Not counted in ClinVar's aggregate classification.
Comment: The CEP290 c.963T>A variant is predicted to result in the amino acid substitution p.Asp321Glu. This variant, along with another uncertain variant in CEP290, has been reported as a variant of uncertain significance, in an individual with congenital ataxia (Table S4, Galatolo et al. 2021. PubMed ID: 34445196). This variant is reported in 0.019% of alleles in individuals of European (Non-Finnish) descent in gnomAD. At this time, the clinical significance of this variant is uncertain due to the absence of conclusive functional and genetic evidence.

Department of Pathology and Laboratory Medicine, Sinai Health System
Classification: Uncertain significance. Review status: no assertion criteria provided. Collection method: clinical testing. Allele origin: unknown. Affected: yes. Study: The Canadian Open Genetics Repository (COGR). Not counted in ClinVar's aggregate classification.
Comment: The CEP290 p.Asp321Glu variant was not identified in the literature nor was it identified in ClinVar or LOVD 3.0. The variant was identified in dbSNP (ID: rs774072453) and in control databases in 18 of 197108 chromosomes at a frequency of 0.00009132 (Genome Aggregation Database March 6, 2019, v2.1.1). The variant was observed in the European (non-Finnish) population in 18 of 96916 chromosomes (freq: 0.000186), but was not observed in the African, Latino, Ashkenazi Jewish, East Asian, European (Finnish), Other, or South Asian populations. The p.Asp321 residue is conserved in mammals and computational analyses (PolyPhen-2, SIFT, AlignGVGD, BLOSUM, MutationTaster) provide inconsistent predictions regarding the impact to the protein; this information is not very predictive of pathogenicity. The variant occurs outside of the splicing consensus sequence and 3 of 4 in silico or computational prediction software programs (SpliceSiteFinder, MaxEntScan, NNSPLICE, GeneSplicer) predict a greater than 10% difference in splicing. However, this has not been confirmed by RNA analysis and is not predictive enough to assume pathogenicity. In summary, based on the above information the clinical significance of this variant cannot be determined with certainty at this time. This variant is classified as a variant of uncertain significance.